The following is an entry in ClinVar:

NC_000023.10:g.(?_31613687)_(32717430_?)del

Gene: DMD (dystrophin; minus strand). Cytogenetic location: Xp21.1.
Variant type: Deletion.
Identifiers: ClinVar variation 3242646 (VCV003242646.1).

ClinVar aggregate classification (germline): Pathogenic (1 of 4 stars; one submission).

Conditions:
Duchenne muscular dystrophy (DMD). Also called: MUSCULAR DYSTROPHY, PSEUDOHYPERTROPHIC PROGRESSIVE, DUCHENNE TYPE; Duchenne Muscular Dystrophy (DMD). Identifiers: Orphanet 98896, MedGen C0013264, MONDO:0010679, OMIM 310200.

Submission:

Labcorp Genetics (formerly Invitae), Labcorp
Classification: Pathogenic for Duchenne muscular dystrophy. Last evaluated: 2023-02-22. Review status: criteria provided, single submitter. Criteria: Invitae Variant Classification Sherloc (09022015). Collection method: clinical testing. Allele origin: unknown.
Comment: This variant is a gross deletion of the genomic region encompassing exon(s) 8-55 of the DMD gene. This deletion is out-of-frame, and is expected to create a premature termination codon and result in an absent or disrupted protein product. Loss-of-function variants in DMD are known to be pathogenic (PMID: 16770791, 25007885). A similar copy number variant has been observed in individual(s) with Becker/Duchenne muscular dystrophy (PMID: 19937601). For these reasons, this variant has been classified as Pathogenic.

Literature cited by the submitters: PubMed 16770791; PubMed 25007885; PubMed 19937601.